The following is an entry in ClinVar:

NM_018389.5(SLC35C1):c.837C>T (p.Ala279=)

Gene: SLC35C1 (solute carrier family 35 member C1; plus strand). Cytogenetic location: 11p11.2.
Variant type: single nucleotide variant.
Coding change: c.837C>T on transcript NM_018389.5 (MANE Select); coding-DNA position 837, C replaced by T.
Protein change: p.Ala279=; no amino-acid change (alanine 279 retained).
Molecular consequence: synonymous variant.
Genome position (GRCh38, 1-based): chr11:45,811,077, C>T. VCF-style: chr11-45811077-C-T. GRCh37 (hg19) VCF-style: chr11-45832628-C-T.
Other names: c.798C>T, p.Ala266= (NM_001145265.2, NM_001145266.2).
Identifiers: ClinVar variation 304743 (VCV000304743.16), dbSNP rs371692301, ClinGen allele CA5958343.

ClinVar aggregate classification (germline): Conflicting classifications of pathogenicity. Review status: criteria provided, conflicting classifications (1 of 4 stars). 4 submissions from 4 submitters: Uncertain significance (2); Likely benign (2). Last evaluated 2026-02-01.

Conditions:
Leukocyte adhesion deficiency type II. Also called: CONGENITAL DISORDER OF GLYCOSYLATION, TYPE IIc; CDG IIc; Congenital disorder of glycosylation type 2C; CDG 2C; Leukocyte adhesion deficiency type 2; Rambam Hasharon syndrome. Identifiers: Orphanet 2968, Orphanet 99843, MedGen C0398739, MONDO:0009953, OMIM 266265.

Allele frequency attached by ClinVar (database versions not stated): gnomAD 0.00001 and 0.00003; TOPMed 0.00002; gnomAD exomes 0.00004 and 0.00006; ExAC 0.00006.
gnomAD v4.1: 89 of 1,613,270 alleles (0.0055%); highest among the groups gnomAD compares: Middle Eastern, 0.099%; no homozygotes.

Submissions (4):

Labcorp Genetics (formerly Invitae), Labcorp
Classification: Likely benign for Leukocyte adhesion deficiency type II. Last evaluated: 2026-02-01. Review status: criteria provided, single submitter. Criteria: Invitae Variant Classification Sherloc (09022015). Collection method: clinical testing. Allele origin: germline.

Blueprint Genetics
Classification: Likely benign. Last evaluated: 2024-09-12. Review status: criteria provided, single submitter. Criteria: ACMG Guidelines, 2015. Collection method: clinical testing. Allele origin: germline.

GeneDx
Classification: Uncertain significance. Last evaluated: 2018-05-29. Review status: criteria provided, single submitter. Criteria: GeneDx Variant Classification (06012015). Collection method: clinical testing. Allele origin: germline. Affected: yes.
Comment: The c.837 C>T variant has not been published as a pathogenic variant, nor has it been reported as a benign variant to our knowledge. The c.837 C>T variant is observed in 4/34,418 (0.01%) alleles from individuals of Latino background, in the ExAC dataset (Lek et al., 2016). Although in silico splice prediction models do not predict that c.837 C>T affects gene splicing, in the absence of RNA/functional studies, the actual effect of this sequence change in this individual is unknown. Therefore, based on the currently available information, it is unclear whether this variant is a pathogenic variant or a rare benign variant

Illumina Laboratory Services, Illumina
Classification: Uncertain significance for Leukocyte adhesion deficiency type II. Last evaluated: 2018-01-12. Review status: criteria provided, single submitter. Criteria: ICSL Variant Classification Criteria 13 December 2019. Collection method: clinical testing. Allele origin: germline.